The following is an entry in ClinVar:

NM_006767.4(LZTR1):c.201-13C>T

Gene: LZTR1 (leucine zipper like post translational regulator 1; plus strand). Cytogenetic location: 22q11.21.
Variant type: single nucleotide variant.
Coding change: c.201-13C>T on transcript NM_006767.4 (MANE Select); 13 bases into the intron before coding-DNA position 201, C replaced by T.
Molecular consequence: intron variant.
Genome position (GRCh38, 1-based): chr22:20,983,014, C>T. VCF-style: chr22-20983014-C-T. GRCh37 (hg19) VCF-style: chr22-21337303-C-T.
Identifiers: ClinVar variation 496334 (VCV000496334.11), dbSNP rs191677014, ClinGen allele CA10118306.

ClinVar aggregate classification (germline): Benign/Likely benign. Review status: criteria provided, multiple submitters, no conflicts (2 of 4 stars). 5 submissions from 5 submitters: Benign (4); Likely benign (1). Last evaluated 2026-02-04.

Conditions:
Noonan syndrome (NS). Also called: Noonan's syndrome. Identifiers: Orphanet 648, MedGen C0028326, MeSH D009634, MONDO:0018997. Disease mechanism: gain of function.

Allele frequency attached by ClinVar (database versions not stated): gnomAD 0.00159; 1000 Genomes Project 30x 0.00016; 1000 Genomes Project 0.00020; ESP Exome Variant Server 0.00085; TOPMed 0.00140.
gnomAD v4.1: 2,130 of 1,613,720 alleles (0.13%); highest among the groups gnomAD compares: Admixed American, 0.35%; 8 homozygotes.

Submissions (5):

Labcorp Genetics (formerly Invitae), Labcorp
Classification: Benign. Last evaluated: 2026-02-04. Review status: criteria provided, single submitter. Criteria: Invitae Variant Classification Sherloc (09022015). Collection method: clinical testing. Allele origin: germline.

Blueprint Genetics
Classification: Likely benign. Last evaluated: 2024-11-27. Review status: criteria provided, single submitter. Criteria: ACMG Guidelines, 2015. Collection method: clinical testing. Allele origin: germline.

Department of Pathology and Laboratory Medicine, Sinai Health System
Classification: Benign for Noonan syndrome. Last evaluated: 2023-05-26. Review status: criteria provided, single submitter. Criteria: ACMG Guidelines, 2015. Collection method: clinical testing. Allele origin: germline. Affected: yes.

Women's Health and Genetics/Laboratory Corporation of America, LabCorp
Classification: Benign. Last evaluated: 2017-07-10. Review status: criteria provided, single submitter. Criteria: LabCorp Variant Classification Summary - May 2015. Collection method: clinical testing. Allele origin: germline.
Comment: Variant summary: The LZTR1 c.201-13C>T variant involves the alteration of a non-conserved intronic nucleotide. Mutation taster predicts a benign outcome for this variant. 5/5 splice prediction tools predict no significant impact on normal splicing. This variant was found in 205/121298 control chromosomes (1 homozygote) at a frequency of 0.0016901, which is approximately 338 times the estimated maximal expected allele frequency of a pathogenic LZTR1 variant (0.000005), suggesting this variant is likely a benign polymorphism. The variant of interest has not, to our knowledge, been reported in literature. Taken together, this variant is classified as benign.

GeneDx
Classification: Benign. Last evaluated: 2017-02-07. Review status: criteria provided, single submitter. Criteria: GeneDx Variant Classification (06012015). Collection method: clinical testing. Allele origin: germline. Affected: yes.
Comment: This variant is considered likely benign or benign based on one or more of the following criteria: it is a conservative change, it occurs at a poorly conserved position in the protein, it is predicted to be benign by multiple in silico algorithms, and/or has population frequency not consistent with disease.